The following is an entry in ClinVar:

NM_024675.4(PALB2):c.2534_2540del (p.Pro845fs)

Gene: PALB2 (partner and localizer of BRCA2; minus strand). Cytogenetic location: 16p12.2.
Variant type: Deletion.
Coding change: c.2534_2540del on transcript NM_024675.4 (MANE Select); coding-DNA positions 2534 to 2540, 7 bases deleted (CTGCTTC; older notation c.2534_2540delCTGCTTC).
Protein change: p.Pro845fs; shifts the reading frame from proline 845.
Molecular consequence: frameshift variant. On other transcripts: intron variant (1).
Genome position (GRCh38, 1-based): chr16:23,629,250-23,629,256, GAAGCAG deleted on the plus strand (CTGCTTC on the coding strand, the reverse complement: PALB2 is on the minus strand); deleting any 7 consecutive bases within chr16:23,629,250-23,629,261 gives the same sequence; the c. name uses the placement nearest the transcript's 3' end. VCF-style (leftmost placement, unchanged base first): chr16-23629249-AGAAGCAG-A. GRCh37 (hg19) VCF-style: chr16-23640570-AGAAGCAG-A.
Other names: c.2474_2480del, p.Pro825fs (NM_001407296.1); c.2534_2540del, p.Pro845fs (NM_001407298.1, NM_001407299.1, NM_001407300.1 and 2 more transcripts); c.1649_1655del, p.Pro550fs (NM_001407304.1, NM_001407305.1, NM_001407306.1 and 5 more transcripts); c.746_752del, p.Pro249fs (NM_001407312.1, NM_001407313.1); c.68_74del, p.Pro23fs (NM_001407314.1); c.2514+384_2514+390del (NM_001407297.1); short protein forms P23fs, P249fs, P550fs, P825fs, P845fs.
Identifiers: ClinVar variation 2674149 (VCV002674149.1), dbSNP rs2506397207, ClinGen allele CA2695197453.

ClinVar aggregate classification (germline): Pathogenic (1 of 4 stars; one submission).

Conditions:
Familial cancer of breast. Also called: Hereditary breast cancer; BREAST CANCER, FAMILIAL; hereditary breast carcinoma. Identifiers: Orphanet 227535, MedGen C0346153, MONDO:0016419, OMIM 114480. Disease mechanism: loss of function.

Submission:

Myriad Genetics, Inc.
Classification: Pathogenic for Familial cancer of breast. Last evaluated: 2023-09-13. Review status: criteria provided, single submitter. Criteria: Myriad Autosomal Dominant, Autosomal Recessive and X-Linked Classification Criteria (2023). Collection method: clinical testing. Allele origin: unknown.
Comment: This variant is considered pathogenic. This variant creates a frameshift predicted to result in premature protein truncation.